The following is an entry in ClinVar:

NM_001458.5(FLNC):c.2734G>A (p.Gly912Ser)

Gene: FLNC (filamin C; plus strand). Cytogenetic location: 7q32.1.
Variant type: single nucleotide variant.
Coding change: c.2734G>A on transcript NM_001458.5 (MANE Select); coding-DNA position 2734, G replaced by A.
Protein change: p.Gly912Ser; replaces glycine 912 with serine.
Molecular consequence: missense variant.
Genome position (GRCh38, 1-based): chr7:128,843,500, G>A. VCF-style: chr7-128843500-G-A. GRCh37 (hg19) VCF-style: chr7-128483554-G-A.
Other names: c.2734G>A, p.Gly912Ser (NM_001127487.2); short protein forms G912S.
Identifiers: ClinVar variation 1374955 (VCV001374955.6), dbSNP rs1808427228, ClinGen allele CA369193076.

ClinVar aggregate classification (germline): Uncertain significance (1 of 4 stars; one submission).

Conditions:
Myofibrillar myopathy 5. Also called: Filaminopathy (type); FILAMINOPATHY, AUTOSOMAL DOMINANT. Identifiers: Orphanet 171445, MedGen C1836050, MONDO:0012289, OMIM 609524.
Distal myopathy with posterior leg and anterior hand involvement. Also called: WILLIAMS DISTAL MYOPATHY. Identifiers: Orphanet 63273, MedGen C3279722, MONDO:0013550, OMIM 614065.
Hypertrophic cardiomyopathy 26. Also called: Cardiomyopathy, familial hypertrophic, 26. Identifiers: Orphanet 75249, MedGen C4310749, MONDO:0014883, OMIM 617047.

Allele frequency attached by ClinVar (database versions not stated): gnomAD exomes below 0.00001.
gnomAD v4.1: 1 of 1,614,060 alleles (0.000062%); highest among the groups gnomAD compares: Non-Finnish European, 0.000085%; no homozygotes.

Submission:

Labcorp Genetics (formerly Invitae), Labcorp
Classification: Uncertain significance for Distal myopathy with posterior leg and anterior hand involvement; Myofibrillar myopathy 5; Hypertrophic cardiomyopathy 26. Last evaluated: 2022-06-13. Review status: criteria provided, single submitter. Criteria: Invitae Variant Classification Sherloc (09022015). Collection method: clinical testing. Allele origin: germline.
Comment: In summary, the available evidence is currently insufficient to determine the role of this variant in disease. Therefore, it has been classified as a Variant of Uncertain Significance. Algorithms developed to predict the effect of missense changes on protein structure and function are either unavailable or do not agree on the potential impact of this missense change (SIFT: "Deleterious"; PolyPhen-2: "Probably Damaging"; Align-GVGD: "Class C0"). This variant has not been reported in the literature in individuals affected with FLNC-related conditions. This variant is not present in population databases (gnomAD no frequency). This sequence change replaces glycine, which is neutral and non-polar, with serine, which is neutral and polar, at codon 912 of the FLNC protein (p.Gly912Ser).